The following is an entry in ClinVar:

NM_152383.5(DIS3L2):c.1009_1011dup (p.Leu337dup)

Gene: DIS3L2 (DIS3 like 3'-5' exoribonuclease 2; plus strand). Cytogenetic location: 2q37.1.
Variant type: Duplication.
Coding change: c.1009_1011dup on transcript NM_152383.5 (MANE Select); coding-DNA positions 1009 to 1011, 3 bases duplicated (CTA; older notation c.1009_1011dupCTA).
Protein change: p.Leu337dup; duplicates leucine 337.
Molecular consequence: inframe insertion. On other transcripts: non-coding transcript variant (2).
Genome position (GRCh38, 1-based): chr2:232,163,517-232,163,519, CTA duplicated; duplicating any 3 consecutive bases within chr2:232,163,515-232,163,519 gives the same sequence; the c. name uses the placement nearest the transcript's 3' end. VCF-style (leftmost placement, unchanged base first): chr2-232163514-A-ATAC. GRCh37 (hg19) VCF-style: chr2-233028224-A-ATAC.
Other names: c.1009_1011dup, p.Leu337dup (NM_001257281.2).
Identifiers: ClinVar variation 939749 (VCV000939749.7), dbSNP rs1690715787, ClinGen allele CA1139657785.
Genomic context (GRCh38, chr2:232,163,514, plus strand): 5'-CATAGGCAGCTGGCTAAGAGTCTTGGGCAGGCTGGTGAAATTGAGCCTGAAACAGAAGGA[A>ATAC]TACTAACAGAGTATGGCGTGGATTTCTCTGATTTCTCTTCAGAAGTTCTAGAATGTCTTC-3'

ClinVar aggregate classification (germline): Uncertain significance (1 of 4 stars; one submission).

Conditions:
Perlman syndrome (PRLMNS). Identifiers: Orphanet 2849, MedGen C0796113, MONDO:0009965, OMIM 267000.

Submission:

Labcorp Genetics (formerly Invitae), Labcorp
Classification: Uncertain significance for Perlman syndrome. Last evaluated: 2023-08-01. Review status: criteria provided, single submitter. Criteria: Invitae Variant Classification Sherloc (09022015). Collection method: clinical testing. Allele origin: germline.
Comment: In summary, the available evidence is currently insufficient to determine the role of this variant in disease. Therefore, it has been classified as a Variant of Uncertain Significance. Experimental studies and prediction algorithms are not available or were not evaluated, and the functional significance of this variant is currently unknown. ClinVar contains an entry for this variant (Variation ID: 939749). This variant has not been reported in the literature in individuals affected with DIS3L2-related conditions. This variant is not present in population databases (gnomAD no frequency). This variant, c.1009_1011dup, results in the insertion of 1 amino acid(s) of the DIS3L2 protein (p.Leu337dup), but otherwise preserves the integrity of the reading frame.